The following is an entry in ClinVar:

ClinVar aggregate classification (germline): Uncertain significance (1 of 4 stars; one submission).

Allele frequency attached by ClinVar (database versions not stated): TOPMed below 0.00001; gnomAD 0.00001.

Submission:

Labcorp Genetics (formerly Invitae), Labcorp
Classification: Uncertain significance. Last evaluated: 2022-11-28. Review status: criteria provided, single submitter. Criteria: Invitae Variant Classification Sherloc (09022015). Collection method: clinical testing. Allele origin: germline.
Comment: In summary, the available evidence is currently insufficient to determine the role of this variant in disease. Therefore, it has been classified as a Variant of Uncertain Significance. This sequence change affects an acceptor splice site in intron 24 of the CLCN7 gene. While this variant is not anticipated to result in nonsense mediated decay, it likely alters RNA splicing and results in a disrupted protein product. This variant is present in population databases (no rsID available, gnomAD 0.007%). Disruption of this splice site has been observed in individual(s) with autosomal dominant osteopetrosis (PMID: 30942407). Variants that disrupt the consensus splice site are a relatively common cause of aberrant splicing (PMID: 17576681, 9536098). Algorithms developed to predict the effect of sequence changes on RNA splicing suggest that this variant may disrupt the consensus splice site.

Literature cited by the submitters: PubMed 30942407; PubMed 17576681; PubMed 9536098.

NM_001287.6(CLCN7):c.2332-2A>G

Gene: CLCN7 (chloride voltage-gated channel 7; minus strand). Cytogenetic location: 16p13.3.
Variant type: single nucleotide variant.
Coding change: c.2332-2A>G on transcript NM_001287.6 (MANE Select); the canonical splice acceptor site of the intron before coding-DNA position 2332, A replaced by G.
Molecular consequence: splice acceptor variant.
Genome position (GRCh38, 1-based): chr16:1,446,719, T>C on the plus strand (A>G on the coding strand, the complement: CLCN7 is on the minus strand). VCF-style: chr16-1446719-T-C. GRCh37 (hg19) VCF-style: chr16-1496720-T-C.
Other names: c.2260-2A>G (NM_001114331.3).
Identifiers: ClinVar variation 2419082 (VCV002419082.7), dbSNP rs1172586700, ClinGen allele CA394184998.